The following is an entry in ClinVar:

ClinVar aggregate classification (germline): Uncertain significance. Review status: criteria provided, multiple submitters, no conflicts (2 of 4 stars). 2 submissions from 2 submitters: Uncertain significance (2). Last evaluated 2025-08-27.

Conditions:
Inborn genetic diseases. Identifiers: MedGen C0950123, MeSH D030342.

Allele frequency attached by ClinVar (database versions not stated): ExAC 0.00001; TOPMed 0.00003; gnomAD 0.00004; ESP Exome Variant Server 0.00008.
gnomAD v4.1: 13 of 1,614,036 alleles (0.00081%); highest among the groups gnomAD compares: African/African-American, 0.0013%; no homozygotes.

Submissions (2):

Ambry Genetics
Classification: Uncertain significance for Inborn genetic diseases. Last evaluated: 2025-08-27. Review status: criteria provided, single submitter. Criteria: Ambry Variant Classification Scheme 2023. Collection method: clinical testing. Allele origin: germline.

CeGaT Center for Human Genetics Tuebingen
Classification: Uncertain significance. Last evaluated: 2022-11-01. Review status: criteria provided, single submitter. Criteria: CeGaT Center For Human Genetics Tuebingen Variant Classification Criteria Version 2. Collection method: clinical testing. Allele origin: germline. Affected: yes. Observed: 1 variant allele.
Comment: TG: PM2, BP4

NM_003235.5(TG):c.6619G>A (p.Gly2207Ser)

Gene: TG (thyroglobulin; plus strand). Cytogenetic location: 8q24.22.
Variant type: single nucleotide variant.
Coding change: c.6619G>A on transcript NM_003235.5 (MANE Select); coding-DNA position 6619, G replaced by A.
Protein change: p.Gly2207Ser; replaces glycine 2207 with serine.
Molecular consequence: missense variant.
Genome position (GRCh38, 1-based): chr8:133,017,834, G>A. VCF-style: chr8-133017834-G-A. GRCh37 (hg19) VCF-style: chr8-134030079-G-A.
Other names: c.6619G>A (NM_003235.4); short protein forms G2207S.
Identifiers: ClinVar variation 1879721 (VCV001879721.30), dbSNP rs376287568, ClinGen allele CA4884988.